The following is an entry in ClinVar:

NM_020207.7(ERCC6L2):c.224T>G (p.Val75Gly)

Gene: ERCC6L2 (ERCC excision repair 6 like 2; plus strand). Cytogenetic location: 9q22.32.
Variant type: single nucleotide variant.
Coding change: c.224T>G on transcript NM_020207.7 (MANE Select); coding-DNA position 224, T replaced by G.
Protein change: p.Val75Gly; replaces valine 75 with glycine.
Molecular consequence: missense variant. On other transcripts: non-coding transcript variant (1).
Genome position (GRCh38, 1-based): chr9:95,881,046, T>G. VCF-style: chr9-95881046-T-G. GRCh37 (hg19) VCF-style: chr9-98643328-T-G.
Other names: c.224T>G, p.Val75Gly (NM_001010895.4, NM_001375291.1, NM_001375292.1 and 2 more transcripts); short protein forms V75G.
Identifiers: ClinVar variation 1430506 (VCV001430506.6), dbSNP rs754908597, ClinGen allele CA5139258.

ClinVar aggregate classification (germline): Uncertain significance (1 of 4 stars; one submission).

Allele frequency attached by ClinVar (database versions not stated): gnomAD 0.00001; ExAC 0.00002; TOPMed 0.00001; gnomAD exomes 0.00002.
gnomAD v4.1: 27 of 1,613,890 alleles (0.0017%); highest among the groups gnomAD compares: Admixed American, 0.0033%; no homozygotes.

Submission:

Labcorp Genetics (formerly Invitae), Labcorp
Classification: Uncertain significance. Last evaluated: 2022-08-16. Review status: criteria provided, single submitter. Criteria: Invitae Variant Classification Sherloc (09022015). Collection method: clinical testing. Allele origin: germline.
Comment: This sequence change replaces valine, which is neutral and non-polar, with glycine, which is neutral and non-polar, at codon 86 of the ERCC6L2 protein (p.Val86Gly). This variant is present in population databases (rs754908597, gnomAD 0.006%). This variant has not been reported in the literature in individuals affected with ERCC6L2-related conditions. ClinVar contains an entry for this variant (Variation ID: 1430506). Algorithms developed to predict the effect of missense changes on protein structure and function are either unavailable or do not agree on the potential impact of this missense change (SIFT: "Tolerated"; PolyPhen-2: "Not Available"; Align-GVGD: "Class C0"). Algorithms developed to predict the effect of sequence changes on RNA splicing suggest that this variant may create or strengthen a splice site. In summary, the available evidence is currently insufficient to determine the role of this variant in disease. Therefore, it has been classified as a Variant of Uncertain Significance.